The following is an entry in ClinVar:

NM_000051.4(ATM):c.8011-4T>G

Genes: ATM (ATM serine/threonine kinase; plus strand), C11orf65 (chromosome 11 open reading frame 65; minus strand). Cytogenetic location: 11q22.3.
Variant type: single nucleotide variant.
Coding change: c.8011-4T>G on transcript NM_000051.4 (MANE Select); 4 bases into the intron before coding-DNA position 8011, T replaced by G.
Molecular consequence: intron variant.
Genome position (GRCh38, 1-based): chr11:108,334,965, T>G. VCF-style: chr11-108334965-T-G. GRCh37 (hg19) VCF-style: chr11-108205692-T-G.
Other names: c.8011-4T>G (NM_001351834.2); c.641-25894A>C (NM_001330368.2); c.*38+255A>C (NM_001351110.2).
Identifiers: ClinVar variation 953105 (VCV000953105.10), dbSNP rs2086667288, ClinGen allele CA1139662187.

ClinVar aggregate classification (germline): Uncertain significance (1 of 4 stars; one submission).

Conditions:
Ataxia-telangiectasia syndrome (AT). Also called: Ataxia-telangiectasia, complementation group D; AT, COMPLEMENTATION GROUP C; ATAXIA-TELANGIECTASIA, COMPLEMENTATION GROUP A; ATAXIA-TELANGIECTASIA, FRESNO VARIANT; Ataxia-telangiectasia; Ataxia telangiectasia (A-T). Identifiers: Orphanet 100, MedGen C0004135, MONDO:0008840, OMIM 208900.

Submission:

Labcorp Genetics (formerly Invitae), Labcorp
Classification: Uncertain significance for Ataxia-telangiectasia syndrome. Last evaluated: 2020-10-07. Review status: criteria provided, single submitter. Criteria: Invitae Variant Classification Sherloc (09022015). Collection method: clinical testing. Allele origin: germline.
Comment: In summary, the available evidence is currently insufficient to determine the role of this variant in disease. Therefore, it has been classified as a Variant of Uncertain Significance. Algorithms developed to predict the effect of sequence changes on RNA splicing suggest that this variant may disrupt the consensus splice site, but this prediction has not been confirmed by published transcriptional studies. This variant has not been reported in the literature in individuals with ATM-related conditions. This variant is not present in population databases (ExAC no frequency). This sequence change falls in intron 54 of the ATM gene. It does not directly change the encoded amino acid sequence of the ATM protein.